The following is an entry in ClinVar:

ClinVar aggregate classification (germline): Conflicting classifications of pathogenicity. Review status: criteria provided, conflicting classifications (1 of 4 stars). 9 submissions from 9 submitters: Uncertain significance (1); Benign (2); Likely benign (2). 4 of the submissions do not count toward it. Last evaluated 2026-09-01.

Conditions:
SGSH-related disorder. Also called: SGSH-related condition.
Mucopolysaccharidosis, MPS-III-A (MPS3A). Also called: MUCOPOLYSACCHARIDOSIS, TYPE IIIA, ATTENUATED; MPS III A; MPS IIIA (Sanfilippo Syndrome Type A); SANFILIPPO SYNDROME A; SULFAMIDASE DEFICIENCY; Mucopolysaccharidosis, type IIIA. Identifiers: Orphanet 581, Orphanet 79269, MedGen C0086647, MONDO:0009655, OMIM 252900.

Allele frequency attached by ClinVar (database versions not stated): 1000 Genomes Project 30x 0.00078; 1000 Genomes Project 0.00080; TOPMed 0.00210; ESP Exome Variant Server 0.00215; gnomAD 0.00226 and 0.00230; ExAC 0.00256.
gnomAD v4.1: 4,626 of 1,613,224 alleles (0.29%); highest among the groups gnomAD compares: Non-Finnish European, 0.34%; 11 homozygotes.

Submissions (9):

CeGaT Center for Human Genetics Tuebingen
Classification: Likely benign. Last evaluated: 2026-09-01. Review status: criteria provided, single submitter. Criteria: CeGaT Center For Human Genetics Tuebingen Variant Classification Criteria Version 2. Collection method: clinical testing. Allele origin: germline. Affected: yes. Observed: 7 variant alleles.
Comment: SGSH: BP4, BP7

Labcorp Genetics (formerly Invitae), Labcorp
Classification: Benign for Mucopolysaccharidosis, MPS-III-A. Last evaluated: 2026-02-02. Review status: criteria provided, single submitter. Criteria: Invitae Variant Classification Sherloc (09022015). Collection method: clinical testing. Allele origin: germline.

Blueprint Genetics
Classification: Likely benign. Last evaluated: 2024-11-27. Review status: criteria provided, single submitter. Criteria: ACMG Guidelines, 2015. Collection method: clinical testing. Allele origin: germline.

Genome-Nilou Lab
Classification: Benign for Mucopolysaccharidosis, MPS-III-A. Last evaluated: 2021-11-07. Review status: criteria provided, single submitter. Criteria: ACMG Guidelines, 2015. Collection method: clinical testing. Allele origin: germline. Affected: no.

Illumina Laboratory Services, Illumina
Classification: Uncertain significance for Mucopolysaccharidosis, MPS-III-A. Last evaluated: 2018-01-12. Review status: criteria provided, single submitter. Criteria: ICSL Variant Classification Criteria 13 December 2019. Collection method: clinical testing. Allele origin: germline.

Natera, Inc.
Classification: Benign for Mucopolysaccharidosis type IIIA. Last evaluated: 2019-12-27. Review status: no assertion criteria provided. Collection method: clinical testing. Allele origin: germline. Not counted in ClinVar's aggregate classification.

PreventionGenetics, part of Exact Sciences
Classification: Likely benign for SGSH-related condition. Last evaluated: 2019-03-13. Review status: no assertion criteria provided. Collection method: clinical testing. Allele origin: germline. Not counted in ClinVar's aggregate classification.
Comment: This variant is classified as likely benign based on ACMG/AMP sequence variant interpretation guidelines (Richards et al. 2015 PMID: 25741868, with internal and published modifications).

Clinical Genetics DNA and cytogenetics Diagnostics Lab, Erasmus MC, Erasmus Medical Center
Classification: Likely benign. Review status: no assertion criteria provided. Collection method: clinical testing. Allele origin: germline. Affected: yes. Study: VKGL Data-share Consensus. Not counted in ClinVar's aggregate classification.

Clinical Genetics, Academic Medical Center
Classification: Benign. Review status: no assertion criteria provided. Collection method: clinical testing. Allele origin: germline. Affected: yes. Study: VKGL Data-share Consensus. Not counted in ClinVar's aggregate classification.

NM_000199.5(SGSH):c.411G>A (p.Ala137=)

Gene: SGSH (N-sulfoglucosamine sulfohydrolase; minus strand). Cytogenetic location: 17q25.3.
Variant type: single nucleotide variant.
Coding change: c.411G>A on transcript NM_000199.5 (MANE Select); coding-DNA position 411, G replaced by A.
Protein change: p.Ala137=; no amino-acid change (alanine 137 retained).
Molecular consequence: synonymous variant. On other transcripts: non-coding transcript variant (1).
Genome position (GRCh38, 1-based): chr17:80,214,710, C>T on the plus strand (G>A on the coding strand, the complement: SGSH is on the minus strand). VCF-style: chr17-80214710-C-T. GRCh37 (hg19) VCF-style: chr17-78188509-C-T.
Other names: c.411G>A, p.Ala137= (NM_001352921.3, NM_001352922.2).
Identifiers: ClinVar variation 325843 (VCV000325843.48), dbSNP rs142557761, ClinGen allele CA8818023.
Genomic context (GRCh38, chr17:80,214,710, plus strand): 5'-CAGCTTAATTCTAGTGATGTTCCGCCCCACCTGGAGGACGGAGCCATTCTCCTCCGTGTA[C>T]GCAAAGTCAAACGGGTACACGGTCTCCGGCCCCACGTGCTTCTTCCCGATGATGCCTGGG-3'
Protein context (NP_000190.1, residues 127-147): GPETVYPFDF[Ala137=]YTEENGSVLQ